The following is an entry in ClinVar:

ClinVar aggregate classification (germline): Benign. Review status: reviewed by expert panel (3 of 4 stars). 5 submissions from 4 submitters: Benign (1). 4 of the submissions do not count toward it. Last evaluated 2015-01-12.

Conditions:
Fanconi anemia complementation group D1. Also called: BRCA2-Related Fanconi Anemia. Identifiers: Orphanet 319462, MedGen C1838457, MONDO:0011584, OMIM 605724.
Breast-ovarian cancer, familial, susceptibility to, 2 (BROVCA2). Also called: BRCA2 Hereditary Breast and Ovarian Cancer. Identifiers: Orphanet 145, MedGen C2675520, MONDO:0012933, OMIM 612555. Disease mechanism: loss of function.

Allele frequency attached by ClinVar (database versions not stated): TOPMed 0.18153; gnomAD 0.18537 and 0.18977; 1000 Genomes Project 30x 0.19035; 1000 Genomes Project 0.19748; gnomAD exomes 0.24638.
gnomAD v4.1: 39,604 of 196,350 alleles (20%); highest among the groups gnomAD compares: East Asian, 43%; 4,599 homozygotes.

Submissions (5):

Evidence-based Network for the Interpretation of Germline Mutant Alleles (ENIGMA)
Classification: Benign for Breast-ovarian cancer, familial 2. Last evaluated: 2015-01-12. Review status: reviewed by expert panel. Criteria: ENIGMA BRCA1/2 Classification Criteria (2015). Collection method: curation. Allele origin: germline.
Comment: Class 1 not pathogenic based on frequency >1% in an outbred sampleset. Frequency 0.3811 (Asian), 0.04675 (African), 0.2177 (European), derived from 1000 genomes (2012-04-30).

GeneDx
Classification: Benign. Last evaluated: 2020-07-14. Review status: criteria provided, single submitter. Criteria: GeneDx Variant Classification Process June 2021. Collection method: clinical testing. Allele origin: germline. Affected: yes. Not counted in ClinVar's aggregate classification.
Comment: This variant is associated with the following publications: (PMID: 23299404)

Illumina Laboratory Services, Illumina
Classification: Benign for Breast-ovarian cancer, familial, susceptibility to, 2. Last evaluated: 2018-01-12. Review status: criteria provided, single submitter. Criteria: ICSL Variant Classification Criteria 13 December 2019. Collection method: clinical testing. Allele origin: germline. Not counted in ClinVar's aggregate classification.
Comment: This variant was observed in the ICSL laboratory as part of a predisposition screen in an ostensibly healthy population. It had not been previously curated by ICSL or reported in the Human Gene Mutation Database (HGMD: prior to June 1st, 2018), and was therefore a candidate for classification through an automated scoring system. Utilizing variant allele frequency, disease prevalence and penetrance estimates, and inheritance mode, an automated score was calculated to assess if this variant is too frequent to cause the disease. Based on the score and internal cut-off values, a variant classified as benign is not then subjected to further curation. The score for this variant resulted in a classification of benign for this disease.

Illumina Laboratory Services, Illumina
Classification: Benign for Fanconi anemia complementation group D1. Last evaluated: 2018-01-12. Review status: criteria provided, single submitter. Criteria: ICSL Variant Classification Criteria 13 December 2019. Collection method: clinical testing. Allele origin: germline. Not counted in ClinVar's aggregate classification.
Comment: the same text as in the submission from Illumina Laboratory Services, Illumina above.

Breakthrough Genomics
Classification: Benign. Review status: criteria provided, single submitter. Criteria: ACMG Guidelines, 2015. Collection method: not provided. Allele origin: germline. Inheritance: Autosomal recessive inheritance. Affected: yes. Not counted in ClinVar's aggregate classification.

NM_000059.4(BRCA2):c.*532A>G

Gene: BRCA2 (BRCA2 DNA repair associated; plus strand). Cytogenetic location: 13q13.1.
Variant type: single nucleotide variant.
Coding change: c.*532A>G on transcript NM_000059.4 (MANE Select); 532 bases downstream of the stop codon, A replaced by G.
Molecular consequence: 3 prime UTR variant.
Genome position (GRCh38, 1-based): chr13:32,399,302, A>G. VCF-style: chr13-32399302-A-G. GRCh37 (hg19) VCF-style: chr13-32973439-A-G.
Other names: 11017 A>G.
Identifiers: ClinVar variation 209928 (VCV000209928.7), dbSNP rs11571836, ClinGen allele CA276895.